The following is an entry in ClinVar:

NM_017636.4(TRPM4):c.3362T>G (p.Leu1121Arg)

Gene: TRPM4 (transient receptor potential cation channel subfamily M member 4; plus strand). Cytogenetic location: 19q13.33.
Variant type: single nucleotide variant.
Coding change: c.3362T>G on transcript NM_017636.4 (MANE Select); coding-DNA position 3362, T replaced by G.
Protein change: p.Leu1121Arg; replaces leucine 1121 with arginine.
Molecular consequence: missense variant.
Genome position (GRCh38, 1-based): chr19:49,210,743, T>G. VCF-style: chr19-49210743-T-G. GRCh37 (hg19) VCF-style: chr19-49714000-T-G.
Other names: c.3362T>G (NM_017636.3); c.2927T>G, p.Leu976Arg (NM_001195227.2); c.3017T>G, p.Leu1006Arg (NM_001321281.2); c.1754T>G, p.Leu585Arg (NM_001321282.2); c.2840T>G, p.Leu947Arg (NM_001321283.2); c.2300T>G, p.Leu767Arg (NM_001321285.2); short protein forms L1006R, L1121R, L585R, L976R, L767R, L947R.
Identifiers: ClinVar variation 2973593 (VCV002973593.4), dbSNP rs1185710072, ClinGen allele CA406772985.
Genomic context (GRCh38, chr19:49,210,743, plus strand): 5'-GCCCTTTGACTCCGCCCGCCCCTGCAGGGGTTTACCTTTCTAAGGAAGCCGAGCGGAAGC[T>G]GCTAACGTGGGAATCGGTGCATAAGGAGAACTTTCTGCTGGCACGCGCTAGGGACAAGCG-3'
Protein context (NP_060106.2, residues 1111-1131): VYLSKEAERK[Leu1121Arg]LTWESVHKEN

ClinVar aggregate classification (germline): Uncertain significance. Review status: criteria provided, multiple submitters, no conflicts (2 of 4 stars). 2 submissions from 2 submitters: Uncertain significance (2). Last evaluated 2026-01-25.

Conditions:
Cardiovascular phenotype. Identifiers: MedGen CN230736.
Progressive familial heart block type IB (PFHB1B). Identifiers: Orphanet 871, MedGen C1970298, MONDO:0011474, OMIM 604559.

Allele frequency attached by ClinVar (database versions not stated): gnomAD exomes below 0.00001; gnomAD 0.00001.
gnomAD v4.1: 3 of 1,614,144 alleles (0.00019%); highest among the groups gnomAD compares: African/African-American, 0.0013%; no homozygotes.

Submissions (2):

Ambry Genetics
Classification: Uncertain significance for Cardiovascular phenotype. Last evaluated: 2026-01-25. Review status: criteria provided, single submitter. Criteria: Ambry Variant Classification Scheme 2023. Collection method: clinical testing. Allele origin: germline.
Comment: The p.L1121R variant (also known as c.3362T>G), located in coding exon 22 of the TRPM4 gene, results from a T to G substitution at nucleotide position 3362. The leucine at codon 1121 is replaced by arginine, an amino acid with dissimilar properties. This amino acid position is conserved. In addition, this alteration is predicted to be deleterious by in silico analysis. Based on the available evidence, the clinical significance of this variant remains unclear.

Labcorp Genetics (formerly Invitae), Labcorp
Classification: Uncertain significance for Progressive familial heart block type IB. Last evaluated: 2025-05-15. Review status: criteria provided, single submitter. Criteria: Invitae Variant Classification Sherloc (09022015). Collection method: clinical testing. Allele origin: germline.
Comment: This sequence change replaces leucine, which is neutral and non-polar, with arginine, which is basic and polar, at codon 1121 of the TRPM4 protein (p.Leu1121Arg). This variant is not present in population databases (gnomAD no frequency). This variant has not been reported in the literature in individuals affected with TRPM4-related conditions. ClinVar contains an entry for this variant (Variation ID: 2973593). An algorithm developed to predict the effect of missense changes on protein structure and function (PolyPhen-2) suggests that this variant is likely to be disruptive. In summary, the available evidence is currently insufficient to determine the role of this variant in disease. Therefore, it has been classified as a Variant of Uncertain Significance.